The following is an entry in ClinVar:

ClinVar aggregate classification (germline): Uncertain significance. Review status: criteria provided, multiple submitters, no conflicts (2 of 4 stars). 2 submissions from 2 submitters: Uncertain significance (2). Last evaluated 2025-03-18.

Conditions:
Hereditary cancer-predisposing syndrome. Also called: Tumor predisposition; Hereditary neoplastic syndrome; Neoplastic Syndromes, Hereditary; Hereditary Cancer Syndrome. Identifiers: Orphanet 140162, MedGen C0027672, MeSH D009386, MONDO:0015356.
EGFR-related lung cancer (EGFR). Identifiers: MedGen CN130014.

Allele frequency attached by ClinVar (database versions not stated): gnomAD exomes below 0.00001; ExAC 0.00001.

Submissions (2):

Ambry Genetics
Classification: Uncertain significance for Hereditary cancer-predisposing syndrome. Last evaluated: 2025-03-18. Review status: criteria provided, single submitter. Criteria: Ambry Variant Classification Scheme 2023. Collection method: clinical testing. Allele origin: germline.
Comment: The p.P1088L variant (also known as c.3263C>T), located in coding exon 27 of the EGFR gene, results from a C to T substitution at nucleotide position 3263. The proline at codon 1088 is replaced by leucine, an amino acid with similar properties. This amino acid position is conserved. In addition, the in silico prediction for this alteration is inconclusive. Based on the available evidence, the clinical significance of this variant remains unclear.

Labcorp Genetics (formerly Invitae), Labcorp
Classification: Uncertain significance for EGFR-related lung cancer. Last evaluated: 2024-02-05. Review status: criteria provided, single submitter. Criteria: Invitae Variant Classification Sherloc (09022015). Collection method: clinical testing. Allele origin: germline.
Comment: This sequence change replaces proline, which is neutral and non-polar, with leucine, which is neutral and non-polar, at codon 1088 of the EGFR protein (p.Pro1088Leu). This variant is present in population databases (rs771418435, gnomAD 0.0009%). This variant has not been reported in the literature in individuals affected with EGFR-related conditions. ClinVar contains an entry for this variant (Variation ID: 959204). An algorithm developed to predict the effect of missense changes on protein structure and function (PolyPhen-2) suggests that this variant¬†is likely to be tolerated. In summary, the available evidence is currently insufficient to determine the role of this variant in disease. Therefore, it has been classified as a Variant of Uncertain Significance.

NM_005228.5(EGFR):c.3263C>T (p.Pro1088Leu)

Gene: EGFR (epidermal growth factor receptor; plus strand). Cytogenetic location: 7p11.2.
Variant type: single nucleotide variant.
Coding change: c.3263C>T on transcript NM_005228.5 (MANE Select); coding-DNA position 3263, C replaced by T.
Protein change: p.Pro1088Leu; replaces proline 1088 with leucine.
Molecular consequence: missense variant.
Genome position (GRCh38, 1-based): chr7:55,202,617, C>T. VCF-style: chr7-55202617-C-T. GRCh37 (hg19) VCF-style: chr7-55270310-C-T.
Other names: c.3128C>T, p.Pro1043Leu (NM_001346897.2, NM_001346899.2); c.3263C>T, p.Pro1088Leu (NM_001346898.2); c.3104C>T, p.Pro1035Leu (NM_001346900.2); c.2462C>T, p.Pro821Leu (NM_001346941.2); short protein forms P1035L, P1088L, P821L, P1043L.
Identifiers: ClinVar variation 959204 (VCV000959204.7), dbSNP rs771418435, ClinGen allele CA4266337.